The following is an entry in ClinVar:

NM_004304.5(ALK):c.227C>T (p.Ser76Phe)

Gene: ALK (ALK receptor tyrosine kinase; minus strand). Cytogenetic location: 2p23.1.
Variant type: single nucleotide variant.
Coding change: c.227C>T on transcript NM_004304.5 (MANE Select); coding-DNA position 227, C replaced by T.
Protein change: p.Ser76Phe; replaces serine 76 with phenylalanine.
Molecular consequence: missense variant.
Genome position (GRCh38, 1-based): chr2:29,920,433, G>A on the plus strand (C>T on the coding strand, the complement: ALK is on the minus strand). VCF-style: chr2-29920433-G-A. GRCh37 (hg19) VCF-style: chr2-30143299-G-A.
Other names: short protein forms S76F.
Identifiers: ClinVar variation 3223829 (VCV003223829.1), dbSNP rs2148443665, ClinGen allele CA346590444.

ClinVar aggregate classification (germline): Uncertain significance (1 of 4 stars; one submission).

Conditions:
Hereditary cancer-predisposing syndrome. Also called: Tumor predisposition; Hereditary neoplastic syndrome; Hereditary Cancer Syndrome; Neoplastic Syndromes, Hereditary. Identifiers: Orphanet 140162, MedGen C0027672, MeSH D009386, MONDO:0015356.

Submission:

Ambry Genetics
Classification: Uncertain significance for Hereditary cancer-predisposing syndrome. Last evaluated: 2023-12-04. Review status: criteria provided, single submitter. Criteria: Ambry Variant Classification Scheme 2023. Collection method: clinical testing. Allele origin: germline.
Comment: The p.S76F variant (also known as c.227C>T), located in coding exon 1 of the ALK gene, results from a C to T substitution at nucleotide position 227. The serine at codon 76 is replaced by phenylalanine, an amino acid with highly dissimilar properties. This amino acid position is conserved. In addition, this alteration is predicted to be tolerated by in silico analysis. Since supporting evidence is limited at this time, the clinical significance of this alteration remains unclear.